The following is an entry in ClinVar:

NM_001042492.3(NF1):c.5520_5521del (p.Gln1841fs)

Gene: NF1 (neurofibromin 1; plus strand). Cytogenetic location: 17q11.2.
Variant type: Deletion.
Coding change: c.5520_5521del on transcript NM_001042492.3 (MANE Select); coding-DNA positions 5520 to 5521, 2 bases deleted (CC; older notation c.5520_5521delCC).
Protein change: p.Gln1841fs; shifts the reading frame from glutamine 1841.
Molecular consequence: frameshift variant.
Genome position (GRCh38, 1-based): chr17:31,327,750-31,327,751, CC deleted; deleting any 2 consecutive bases within chr17:31,327,747-31,327,751 gives the same sequence; the c. name uses the placement nearest the transcript's 3' end. VCF-style (leftmost placement, unchanged base first): chr17-31327746-TCC-T. GRCh37 (hg19) VCF-style: chr17-29654764-TCC-T.
Other names: c.5457_5458delCC, p.Gln1820Thrfs (NM_000267.4); short protein forms Q1820fs, Q1841fs.
Identifiers: ClinVar variation 2694619 (VCV002694619.3), dbSNP rs2069383586, ClinGen allele CA2697559641.

ClinVar aggregate classification (germline): Pathogenic (1 of 4 stars; one submission).

Conditions:
Neurofibromatosis, type 1 (NF1). Also called: Peripheral type neurofibromatosis; VON RECKLINGHAUSEN DISEASE; Neurofibromatosis, type I; NEUROFIBROMATOSIS, TYPE I, SOMATIC. Identifiers: Orphanet 636, MedGen C0027831, MONDO:0018975, OMIM 162200. Disease mechanism: loss of function.

Submission:

Labcorp Genetics (formerly Invitae), Labcorp
Classification: Pathogenic for Neurofibromatosis, type 1. Last evaluated: 2023-11-10. Review status: criteria provided, single submitter. Criteria: Invitae Variant Classification Sherloc (09022015). Collection method: clinical testing. Allele origin: germline.
Comment: This sequence change creates a premature translational stop signal (p.Gln1820Thrfs*20) in the NF1 gene. It is expected to result in an absent or disrupted protein product. Loss-of-function variants in NF1 are known to be pathogenic (PMID: 10712197, 23913538). This variant is not present in population databases (gnomAD no frequency). This variant has not been reported in the literature in individuals affected with NF1-related conditions. For these reasons, this variant has been classified as Pathogenic.

Literature cited by the submitters: PubMed 10712197; PubMed 23913538.